The following is an entry in ClinVar:

NM_004722.4(AP4M1):c.481C>T (p.Gln161Ter)

Gene: AP4M1 (adaptor related protein complex 4 subunit mu 1; plus strand). Cytogenetic location: 7q22.1.
Variant type: single nucleotide variant.
Coding change: c.481C>T on transcript NM_004722.4 (MANE Select); coding-DNA position 481, C replaced by T.
Protein change: p.Gln161Ter; replaces glutamine 161 with a stop codon.
Molecular consequence: nonsense. On other transcripts: non-coding transcript variant (1).
Genome position (GRCh38, 1-based): chr7:100,103,630, C>T. VCF-style: chr7-100103630-C-T. GRCh37 (hg19) VCF-style: chr7-99701253-C-T.
Other names: c.502C>T, p.Gln168Ter (NM_001363671.2, NM_001438824.1, NM_001438827.1); c.481C>T, p.Gln161Ter (NM_001438825.1, NM_001438826.1, NM_001438828.1); c.277C>T, p.Gln93Ter (NM_001438829.1, NM_001438830.1); c.97C>T, p.Gln33Ter (NM_001438831.1, NM_001438832.1); short protein forms Q161*, Q168*, Q33*, Q93*.
Identifiers: ClinVar variation 4856897 (VCV004856897.2).

ClinVar aggregate classification (germline): Likely pathogenic (1 of 4 stars; one submission).

Submission:

Dasa
Classification: Likely pathogenic. Last evaluated: 2025-02-20. Review status: criteria provided, single submitter. Criteria: DASA Assertion Criteria. Collection method: clinical testing. Allele origin: germline.
Comment: NM_004722.4(AP4M1):c.481C>T (p.Gln161*) is a nonsense variant in AP4M1 predicted to introduce a premature termination codon and is predicted to result in an absent or altered protein product. Loss of function is an established disease mechanism for AP4M1-associated disorders. Also, this variant is absent from population databases. Based on the currently available evidence, this variant is classified as likely pathogenic.